The following is an entry in ClinVar:

ClinVar aggregate classification (germline): Benign/Likely benign. Review status: criteria provided, multiple submitters, no conflicts (2 of 4 stars). 2 submissions from 2 submitters: Benign (1); Likely benign (1). Last evaluated 2024-07-31.

Conditions:
Juvenile polyposis syndrome (JPS). Identifiers: Orphanet 2929, MedGen C0345893, MONDO:0017380, OMIM 174900.
Hereditary cancer-predisposing syndrome. Also called: Hereditary neoplastic syndrome; Neoplastic Syndromes, Hereditary; Tumor predisposition; Hereditary Cancer Syndrome. Identifiers: Orphanet 140162, MedGen C0027672, MeSH D009386, MONDO:0015356.

Submissions (2):

Myriad Genetics, Inc.
Classification: Benign for Juvenile polyposis syndrome. Last evaluated: 2024-07-31. Review status: criteria provided, single submitter. Criteria: Myriad Autosomal Dominant, Autosomal Recessive and X-Linked Classification Criteria (2023). Collection method: clinical testing. Allele origin: unknown.
Comment: This variant is considered benign. This variant is a silent/synonymous amino acid change and it is not expected to impact splicing.

Ambry Genetics
Classification: Likely benign for Hereditary cancer-predisposing syndrome. Last evaluated: 2016-03-14. Review status: criteria provided, single submitter. Criteria: Ambry Variant Classification Scheme 2023. Collection method: clinical testing. Allele origin: germline.

NM_004329.3(BMPR1A):c.93T>C (p.His31=)

Gene: BMPR1A (bone morphogenetic protein receptor type 1A; plus strand). Cytogenetic location: 10q23.2.
Variant type: single nucleotide variant.
Coding change: c.93T>C on transcript NM_004329.3 (MANE Select); coding-DNA position 93, T replaced by C.
Protein change: p.His31=; no amino-acid change (histidine 31 retained).
Molecular consequence: synonymous variant.
Genome position (GRCh38, 1-based): chr10:86,890,087, T>C. VCF-style: chr10-86890087-T-C. GRCh37 (hg19) VCF-style: chr10-88649844-T-C.
Identifiers: ClinVar variation 482860 (VCV000482860.6), dbSNP rs1461705514, ClinGen allele CA470304490.